The following is an entry in ClinVar:

ClinVar aggregate classification (germline): Benign. Review status: criteria provided, multiple submitters, no conflicts (2 of 4 stars). 2 submissions from 2 submitters: Benign (2). Last evaluated 2026-01-22.

Submissions (2):

Women's Health and Genetics/Laboratory Corporation of America, LabCorp
Classification: Benign. Last evaluated: 2026-01-22. Review status: criteria provided, single submitter. Criteria: LabCorp Variant Classification Summary - May 2015. Collection method: clinical testing. Allele origin: germline.
Comment: Variant summary: CYBB c.484-19_484-14delGTGTGT alters a nucleotide located at a position not widely known to affect splicing. Consensus agreement among computation tools predict no significant impact on normal splicing. However, these predictions have yet to be confirmed by functional studies. The variant allele was found at a frequency of 0.054 in 15161 control chromosomes in the gnomAD database, including 66 homozygotes. The observed variant frequency exceeds the estimated maximal expected allele frequency for disease-causing variants in CYBB. To our knowledge, no occurrence of c.484-19_484-14delGTGTGT in individuals affected with CYBB-related conditions and no experimental evidence demonstrating its impact on protein function have been reported. ClinVar contains an entry for this variant (Variation ID: 1284088). Based on the evidence outlined above, the variant was classified as benign.

GeneDx
Classification: Benign. Last evaluated: 2019-12-19. Review status: criteria provided, single submitter. Criteria: GeneDx Variant Classification Process June 2021. Collection method: clinical testing. Allele origin: germline. Affected: yes.

NM_000397.4(CYBB):c.484-60TG[20]

Gene: CYBB (cytochrome b-245 beta chain; plus strand). Cytogenetic location: Xp21.1.
Variant type: Microsatellite.
Coding change: c.484-60TG[20] on transcript NM_000397.4 (MANE Select); 20 copies in a row of the 2-base unit TG starting at c.484-60.
Molecular consequence: intron variant.
Genome position: GRCh38 VCF-style: chrX-37795890-ATGTGTG-A. GRCh37 (hg19) VCF-style: chrX-37655143-ATGTGTG-A.
Other names: c.484-19_484-14delGTGTGT (NM_000397.4).
Identifiers: ClinVar variation 1284088 (VCV001284088.2), dbSNP rs57325016, ClinGen allele CA328041144.
Genomic context (GRCh38, chrX:37,795,890, plus strand): 5'-TACATTGGACACTTTATAATAGTCCTGCATTTGAGAACCTATAATATTGTGCTTGCGCAC[ATGTGTG>A]TGTGTGTGTGTGTGTGTGTGTGTGTGTGTGTGTGTGTGTGTTTATATTTTACAGAACCCT-3'